The following is an entry in ClinVar:

NM_000035.4(ALDOB):c.136A>T (p.Arg46Trp)

Gene: ALDOB (aldolase, fructose-bisphosphate B; minus strand). Cytogenetic location: 9q31.1.
Variant type: single nucleotide variant.
Coding change: c.136A>T on transcript NM_000035.4 (MANE Select); coding-DNA position 136, A replaced by T.
Protein change: p.Arg46Trp; replaces arginine 46 with tryptophan.
Molecular consequence: missense variant.
Genome position (GRCh38, 1-based): chr9:101,429,943, T>A on the plus strand (A>T on the coding strand, the complement: ALDOB is on the minus strand). VCF-style: chr9-101429943-T-A. GRCh37 (hg19) VCF-style: chr9-104192225-T-A.
Other names: c.136A>T, p.Arg46Trp (LRG_1244t1); short protein forms R46W.
Identifiers: ClinVar variation 30979 (VCV000030979.13), dbSNP rs41281039, ClinGen allele CA129579.

ClinVar aggregate classification (germline): Uncertain significance. Review status: criteria provided, multiple submitters, no conflicts (2 of 4 stars). 8 submissions from 8 submitters: Uncertain significance (5). 3 of the submissions do not count toward it. Last evaluated 2025-07-22.

Conditions:
ALDOB-related disorder. Also called: ALDOB-related condition.
Hereditary fructosuria. Also called: Hereditary fructose intolerance; Fructose intolerance; ALDOB DEFICIENCY; ALDOLASE B DEFICIENCY; FRUCTOSE-1,6-BISPHOSPHATE ALDOLASE B DEFICIENCY; FRUCTOSE-1-PHOSPHATE ALDOLASE DEFICIENCY. Identifiers: Orphanet 469, MedGen C0016751, MONDO:0009249, OMIM 229600, HP:0005973. Disease mechanism: loss of function.

Allele frequency attached by ClinVar (database versions not stated): TOPMed 0.00002; gnomAD 0.00003 and 0.00001; ExAC 0.00004; gnomAD exomes 0.00004 and 0.00002; 1000 Genomes Project 30x 0.00016.
gnomAD v4.1: 30 of 1,614,144 alleles (0.0019%); highest among the groups gnomAD compares: Middle Eastern, 0.017%; no homozygotes.

Submissions (8):

Women's Health and Genetics/Laboratory Corporation of America, LabCorp
Classification: Uncertain significance. Last evaluated: 2025-07-22. Review status: criteria provided, single submitter. Criteria: LabCorp Variant Classification Summary - May 2015. Collection method: clinical testing. Allele origin: germline.
Comment: Variant summary: ALDOB c.136A>T (p.Arg46Trp) results in a non-conservative amino acid change in the encoded protein sequence. Algorithms developed to predict the effect of missense changes on protein structure and function are either unavailable or do not agree on the potential impact of this missense change. The variant allele was found at a frequency of 4.4e-05 in 251192 control chromosomes. This frequency is not significantly higher than estimated for a pathogenic variant in ALDOB causing Hereditary fructosuria (4.4e-05 vs 0.011), allowing no conclusion about variant significance. c.136A>T has been observed in individual(s) affected with Fructose intolerance (Espositio_2021). These data do not allow any conclusion about variant significance. At least one publication reports experimental evidence evaluating an impact on protein function (Espositio_2021). The most pronounced variant effect results in impaired catalysis towards Fructose-1-Phosphate (F1P) without producing any functional alteration in Fructose 1,6-biphosphate (FBP) metabolism. The following publications have been ascertained in the context of this evaluation (PMID: 20848650, 34162028, 34524712). ClinVar contains an entry for this variant (Variation ID: 30979). Based on the evidence outlined above, the variant was classified as VUS-possibly pathogenic.

PreventionGenetics, part of Exact Sciences
Classification: Uncertain significance for ALDOB-related condition. Last evaluated: 2023-06-21. Review status: criteria provided, single submitter. Criteria: ACMG Guidelines, 2015. Collection method: clinical testing. Allele origin: germline.
Comment: The ALDOB c.136A>T variant is predicted to result in the amino acid substitution p.Arg46Trp. This variant was reported in the heterozygous state in an individual with suspected fructose intolerance; however, no additional potential causative variant was identified in this individual (Esposito et al. 2010. PubMed ID: 20848650). This variant is reported in 0.0085% of alleles in individuals of Latino descent in gnomAD. At this time, the clinical significance of this variant is uncertain due to the absence of conclusive functional and genetic evidence.

Labcorp Genetics (formerly Invitae), Labcorp
Classification: Uncertain significance for Hereditary fructosuria. Last evaluated: 2022-08-22. Review status: criteria provided, single submitter. Criteria: Invitae Variant Classification Sherloc (09022015). Collection method: clinical testing. Allele origin: germline.
Comment: This sequence change replaces arginine, which is basic and polar, with tryptophan, which is neutral and slightly polar, at codon 46 of the ALDOB protein (p.Arg46Trp). This variant is present in population databases (rs41281039, gnomAD 0.009%). This missense change has been observed in individual(s) with fructose intolerance (PMID: 20848650). ClinVar contains an entry for this variant (Variation ID: 30979). Algorithms developed to predict the effect of missense changes on protein structure and function are either unavailable or do not agree on the potential impact of this missense change (SIFT: "Deleterious"; PolyPhen-2: "Possibly Damaging"; Align-GVGD: "Class C0"). Experimental studies have shown that this missense change affects ALDOB function (PMID: 20848650). In summary, the available evidence is currently insufficient to determine the role of this variant in disease. Therefore, it has been classified as a Variant of Uncertain Significance.

Fulgent Genetics
Classification: Uncertain significance for Hereditary fructosuria. Last evaluated: 2022-01-11. Review status: criteria provided, single submitter. Criteria: ACMG Guidelines, 2015. Collection method: clinical testing. Allele origin: unknown.

Eurofins Ntd Llc (ga)
Classification: Uncertain significance. Last evaluated: 2017-08-04. Review status: criteria provided, single submitter. Criteria: EGL Classification Definitions 2015. Collection method: clinical testing. Allele origin: germline. Observed: 1 variant allele, 1 heterozygote.

ATS em Genética Clínica, Universidade Federal do Rio Grande do Sul
Classification: Likely pathogenic for Hereditary fructosuria. Last evaluated: 2021-03-18. Review status: no assertion criteria provided. Collection method: literature only. Allele origin: unknown. Affected: yes. Not counted in ClinVar's aggregate classification.

Counsyl
Classification: Uncertain significance for Hereditary fructosuria. Last evaluated: 2017-11-09. Review status: no assertion criteria provided. Collection method: clinical testing. Allele origin: unknown. Not counted in ClinVar's aggregate classification.

OMIM
Classification: Pathogenic for FRUCTOSE INTOLERANCE, HEREDITARY. Last evaluated: 2010-12-01. Review status: no assertion criteria provided. Collection method: literature only. Allele origin: germline. Not counted in ClinVar's aggregate classification.

Literature cited by the submitters: PubMed 20848650 (cited by 5 submitters); PubMed 34162028 (cited by Women's Health and Genetics/Laboratory Corporation of America, LabCorp); PubMed 34524712 (cited by Women's Health and Genetics/Laboratory Corporation of America, LabCorp).